The following is an entry in ClinVar:

NM_000038.6(APC):c.635_636dup (p.Arg213fs)

Gene: APC (APC regulator of Wnt signaling pathway; plus strand). Cytogenetic location: 5q22.2.
Variant type: Duplication.
Coding change: c.635_636dup on transcript NM_000038.6 (MANE Select); coding-DNA positions 635 to 636, 2 bases duplicated (AA; older notation c.635_636dupAA).
Protein change: p.Arg213fs; shifts the reading frame from arginine 213.
Molecular consequence: frameshift variant. On other transcripts: 5 prime UTR variant (1).
Genome position (GRCh38, 1-based): chr5:112,780,893-112,780,894, AA duplicated; duplicating any 2 consecutive bases within chr5:112,780,890-112,780,894 gives the same sequence; the c. name uses the placement nearest the transcript's 3' end. VCF-style (leftmost placement, unchanged base first): chr5-112780889-G-GAA. GRCh37 (hg19) VCF-style: chr5-112116586-G-GAA.
Other names: c.635_636dup, p.Arg213fs (NM_001127510.3, NM_001354895.2, NM_001354896.2 and 2 more transcripts); c.665_666dup, p.Arg223fs (NM_001127511.3, NM_001354897.2, NM_001354902.2); c.560_561dup, p.Arg188fs (NM_001354898.2, NM_001354904.2); c.458_459dup, p.Arg154fs (NM_001354900.2, NM_001354901.2, NM_001354905.2); c.-401_-400dup (NM_001354906.2); short protein forms R154fs, R188fs, R213fs, R223fs.
Identifiers: ClinVar variation 1690367 (VCV001690367.5), dbSNP rs1561485947, ClinGen allele CA2573138810.

ClinVar aggregate classification (germline): Pathogenic/Likely pathogenic. Review status: criteria provided, multiple submitters, no conflicts (2 of 4 stars). 2 submissions from 2 submitters: Pathogenic (1); Likely pathogenic (1). Last evaluated 2023-04-27.

Conditions:
Familial adenomatous polyposis 1 (FAP1). Also called: FAMILIAL ADENOMATOUS POLYPOSIS 1, ATTENUATED; POLYPOSIS, ADENOMATOUS INTESTINAL. Identifiers: MedGen C2713442, MONDO:0021056, OMIM 175100. Disease mechanism: loss of function.

Submissions (2):

Myriad Genetics, Inc.
Classification: Pathogenic for Familial adenomatous polyposis 1. Last evaluated: 2023-04-27. Review status: criteria provided, single submitter. Criteria: Myriad Autosomal Dominant, Autosomal Recessive and X-Linked Classification Criteria (2023). Collection method: clinical testing. Allele origin: unknown.
Comment: This variant is considered pathogenic. This variant creates a frameshift predicted to result in premature protein truncation.

Mayo Clinic Laboratories, Mayo Clinic
Classification: Likely pathogenic. Last evaluated: 2021-04-07. Review status: criteria provided, single submitter. Criteria: ACMG Guidelines, 2015. Collection method: clinical testing. Allele origin: germline.
Comment: PM2, PVS1